The following is an entry in ClinVar:

NM_000195.5(HPS1):c.2087G>A (p.Arg696His)

Gene: HPS1 (HPS1 biogenesis of lysosomal organelles complex 3 subunit 1; minus strand). Cytogenetic location: 10q24.2.
Variant type: single nucleotide variant.
Coding change: c.2087G>A on transcript NM_000195.5 (MANE Select); coding-DNA position 2087, G replaced by A.
Protein change: p.Arg696His; replaces arginine 696 with histidine.
Molecular consequence: missense variant.
Genome position (GRCh38, 1-based): chr10:98,417,580, C>T on the plus strand (G>A on the coding strand, the complement: HPS1 is on the minus strand). VCF-style: chr10-98417580-C-T. GRCh37 (hg19) VCF-style: chr10-100177337-C-T.
Other names: c.1727G>A, p.Arg576His (NM_001322482.2); c.1718G>A, p.Arg573His (NM_001322483.2, NM_001322484.2); c.1619G>A, p.Arg540His (NM_001322485.2); c.1115G>A, p.Arg372His (NM_001322487.2, NM_001322489.2, NM_001311345.2); c.2087G>A, p.Arg696His (NM_001322476.2, NM_001322477.2); c.1988G>A, p.Arg663His (NM_001322478.2, NM_001322479.2); c.1826G>A, p.Arg609His (NM_001322480.2, NM_001322481.2); short protein forms R372H, R540H, R573H, R576H, R609H, R663H, R696H.
Identifiers: ClinVar variation 990173 (VCV000990173.6), dbSNP rs759163020, ClinGen allele CA5638785.
Genomic context (GRCh38, chr10:98,417,580, plus strand): 5'-TGGCTGGAGGACAGGATGCAAAGGCAGACTGCGGCCACCTTGGCCTAGAGCAGGGGGATA[C>T]GGGAGGCCTCCCAGAGGCGCCGGGCCAGCTGGCCGGCCTGCTGCACCAGCAGGTCAGTGG-3'
Protein context (NP_000186.2, residues 686-700): QLARRLWEAS[Arg696His]IPLL

ClinVar aggregate classification (germline): Uncertain significance. Review status: criteria provided, multiple submitters, no conflicts (2 of 4 stars). 3 submissions from 3 submitters: Uncertain significance (2). 1 of the submissions does not count toward it. Last evaluated 2024-06-18.

Conditions:
Hermansky-Pudlak syndrome (HPS). Also called: ALBINISM WITH HEMORRHAGIC DIATHESIS AND PIGMENTED RETICULOENDOTHELIAL CELLS. Identifiers: Orphanet 79430, MedGen C0079504, MONDO:0019312.
Hermansky-Pudlak syndrome 1 (HPS1). Also called: DELTA STORAGE POOL DISEASE. Identifiers: Orphanet 231500, Orphanet 79430, MedGen C2931875, MONDO:0008748, OMIM 203300.

Allele frequency attached by ClinVar (database versions not stated): gnomAD 0.00001; TOPMed 0.00001; gnomAD exomes 0.00002; ExAC 0.00003.
gnomAD v4.1: 37 of 1,610,946 alleles (0.0023%); highest among the groups gnomAD compares: South Asian, 0.028%; 1 homozygote.

Submissions (3):

Fulgent Genetics
Classification: Uncertain significance for Hermansky-Pudlak syndrome 1. Last evaluated: 2024-06-18. Review status: criteria provided, single submitter. Criteria: ACMG Guidelines, 2015. Collection method: clinical testing. Allele origin: germline.

Labcorp Genetics (formerly Invitae), Labcorp
Classification: Uncertain significance. Last evaluated: 2022-02-18. Review status: criteria provided, single submitter. Criteria: Invitae Variant Classification Sherloc (09022015). Collection method: clinical testing. Allele origin: germline.
Comment: This sequence change replaces arginine, which is basic and polar, with histidine, which is basic and polar, at codon 696 of the HPS1 protein (p.Arg696His). This variant is present in population databases (rs759163020, gnomAD 0.01%). This variant has not been reported in the literature in individuals affected with HPS1-related conditions. ClinVar contains an entry for this variant (Variation ID: 990173). Algorithms developed to predict the effect of missense changes on protein structure and function output the following: SIFT: "Tolerated"; PolyPhen-2: "Benign"; Align-GVGD: "Class C0". The histidine amino acid residue is found in multiple mammalian species, which suggests that this missense change does not adversely affect protein function. In summary, the available evidence is currently insufficient to determine the role of this variant in disease. Therefore, it has been classified as a Variant of Uncertain Significance.

Natera, Inc.
Classification: Uncertain significance for Hermansky-Pudlak syndrome. Last evaluated: 2020-04-10. Review status: no assertion criteria provided. Collection method: clinical testing. Allele origin: germline. Not counted in ClinVar's aggregate classification.